The following is an entry in ClinVar:

NM_015443.4(KANSL1):c.2821del (p.Gln941fs)

Gene: KANSL1 (KAT8 regulatory NSL complex subunit 1). Cytogenetic location: 17q21.31.
Variant type: Deletion.
Coding change: c.2821del on transcript NM_015443.4 (MANE Select); coding-DNA position 2821, one base deleted.
Protein change: p.Gln941fs; shifts the reading frame from glutamine 941.
Molecular consequence: frameshift variant.
Genome position: GRCh38 VCF-style: chr17-46033095-TG-T. GRCh37 (hg19) VCF-style: chr17-44110461-TG-T.
Other names: c.2818del, p.Gln940fs (NM_001193465.2); c.2821del, p.Gln941fs (NM_001193466.2, NM_001379198.1); c.2821delC (NM_001193466.1); short protein forms Q940fs, Q941fs.
Identifiers: ClinVar variation 1460320 (VCV001460320.6), dbSNP rs2146314756, ClinGen allele CA2573153984.

ClinVar aggregate classification (germline): Pathogenic/Likely pathogenic. Review status: criteria provided, multiple submitters, no conflicts (2 of 4 stars). 2 submissions from 2 submitters: Pathogenic (1); Likely pathogenic (1). Last evaluated 2023-05-14.

Conditions:
Koolen-de Vries syndrome (KDVS). Identifiers: Orphanet 96169, MedGen C1864871, MONDO:0012496, OMIM 610443.
KANSL1-related disorder. Also called: KANSL1-related condition.

Submissions (2):

PreventionGenetics, part of Exact Sciences
Classification: Likely pathogenic for KANSL1-related condition. Last evaluated: 2023-05-14. Review status: criteria provided, single submitter. Criteria: ACMG Guidelines, 2015. Collection method: clinical testing. Allele origin: germline.
Comment: The KANSL1 c.2821delC variant is predicted to result in a frameshift and premature protein termination (p.Gln941Serfs*73). To our knowledge, this variant has not been reported in the literature or in a large population database, indicating this variant is rare. Frameshift variants in KANSL1 are expected to be pathogenic. This variant is interpreted as likely pathogenic.

Labcorp Genetics (formerly Invitae), Labcorp
Classification: Pathogenic for Koolen-de Vries syndrome. Last evaluated: 2021-10-20. Review status: criteria provided, single submitter. Criteria: Invitae Variant Classification Sherloc (09022015). Collection method: clinical testing. Allele origin: germline.
Comment: This sequence change creates a premature translational stop signal (p.Gln941Serfs*73) in the KANSL1 gene. It is expected to result in an absent or disrupted protein product. Loss-of-function variants in KANSL1 are known to be pathogenic (PMID: 22544363, 22544367). This variant is not present in population databases (gnomAD no frequency). This variant has not been reported in the literature in individuals affected with KANSL1-related conditions. For these reasons, this variant has been classified as Pathogenic.

Literature cited by the submitters: PubMed 22544363 (cited by Labcorp Genetics (formerly Invitae), Labcorp); PubMed 22544367 (cited by Labcorp Genetics (formerly Invitae), Labcorp).